The following is an entry in ClinVar:

NM_003235.5(TG):c.4700-2A>T

Gene: TG (thyroglobulin; plus strand). Cytogenetic location: 8q24.22.
Variant type: single nucleotide variant.
Coding change: c.4700-2A>T on transcript NM_003235.5 (MANE Select); the canonical splice acceptor site of the intron before coding-DNA position 4700, A replaced by T.
Molecular consequence: splice acceptor variant.
Genome position (GRCh38, 1-based): chr8:132,929,074, A>T. VCF-style: chr8-132929074-A-T. GRCh37 (hg19) VCF-style: chr8-133941319-A-T.
Identifiers: ClinVar variation 2874888 (VCV002874888.3), dbSNP rs2490427623, ClinGen allele CA372248878.

ClinVar aggregate classification (germline): Likely pathogenic (1 of 4 stars; one submission).

Allele frequency attached by ClinVar (database versions not stated): gnomAD exomes below 0.00001.
gnomAD v4.1: 5 of 1,612,746 alleles (0.00031%); highest among the groups gnomAD compares: Non-Finnish European, 0.00042%; no homozygotes.

Submission:

Labcorp Genetics (formerly Invitae), Labcorp
Classification: Likely pathogenic. Last evaluated: 2023-11-10. Review status: criteria provided, single submitter. Criteria: Invitae Variant Classification Sherloc (09022015). Collection method: clinical testing. Allele origin: germline.
Comment: This sequence change affects an acceptor splice site in intron 22 of the TG gene. It is expected to disrupt RNA splicing. Variants that disrupt the donor or acceptor splice site typically lead to a loss of protein function (PMID: 16199547), and loss-of-function variants in TG are known to be pathogenic (PMID: 19837936, 23164529). This variant is not present in population databases (gnomAD no frequency). This variant has not been reported in the literature in individuals affected with TG-related conditions. Algorithms developed to predict the effect of sequence changes on RNA splicing suggest that this variant may disrupt the consensus splice site. In summary, the currently available evidence indicates that the variant is pathogenic, but additional data are needed to prove that conclusively. Therefore, this variant has been classified as Likely Pathogenic.

Literature cited by the submitters: PubMed 16199547; PubMed 19837936; PubMed 23164529.